The following is an entry in ClinVar:

NM_005076.5(CNTN2):c.1653C>T (p.Ile551=)

Gene: CNTN2 (contactin 2; plus strand). Cytogenetic location: 1q32.1.
Variant type: single nucleotide variant.
Coding change: c.1653C>T on transcript NM_005076.5 (MANE Select); coding-DNA position 1653, C replaced by T.
Protein change: p.Ile551=; no amino-acid change (isoleucine 551 retained).
Molecular consequence: synonymous variant. On other transcripts: non-coding transcript variant (1).
Genome position (GRCh38, 1-based): chr1:205,065,220, C>T. VCF-style: chr1-205065220-C-T. GRCh37 (hg19) VCF-style: chr1-205034348-C-T.
Other names: c.1653C>T (NM_005076.4); c.1653C>T, p.Ile551= (NM_001346083.2).
Identifiers: ClinVar variation 733093 (VCV000733093.12), dbSNP rs147493920, ClinGen allele CA1351432.

ClinVar aggregate classification (germline): Likely benign. Review status: criteria provided, single submitter (1 of 4 stars). 2 submissions from 2 submitters: Likely benign (1). 1 of the submissions does not count toward it. Last evaluated 2025-12-02.

Conditions:
CNTN2-related disorder. Also called: CNTN2-related condition.
Epilepsy, familial adult myoclonic, 5 (EPEO5). Also called: CORTICAL MYOCLONIC TREMOR WITH EPILEPSY, FAMILIAL, 5. Identifiers: Orphanet 86814, MedGen C3809374, MONDO:0014167, OMIM 615400.

Allele frequency attached by ClinVar (database versions not stated): gnomAD exomes 0.00009 and 0.00008; TOPMed 0.00016; ESP Exome Variant Server 0.00008; gnomAD 0.00008; ExAC 0.00009.
gnomAD v4.1: 127 of 1,614,070 alleles (0.0079%); highest among the groups gnomAD compares: Non-Finnish European, 0.0099%; no homozygotes.

Submissions (2):

Labcorp Genetics (formerly Invitae), Labcorp
Classification: Likely benign for Epilepsy, familial adult myoclonic, 5. Last evaluated: 2025-12-02. Review status: criteria provided, single submitter. Criteria: Invitae Variant Classification Sherloc (09022015). Collection method: clinical testing. Allele origin: germline.

PreventionGenetics, part of Exact Sciences
Classification: Likely benign for CNTN2-related condition. Last evaluated: 2019-04-02. Review status: no assertion criteria provided. Collection method: clinical testing. Allele origin: germline. Not counted in ClinVar's aggregate classification.
Comment: This variant is classified as likely benign based on ACMG/AMP sequence variant interpretation guidelines (Richards et al. 2015 PMID: 25741868, with internal and published modifications).